The following is an entry in ClinVar:

NM_000143.4(FH):c.217G>A (p.Val73Met)

Gene: FH (fumarate hydratase; minus strand). Cytogenetic location: 1q43.
Variant type: single nucleotide variant.
Coding change: c.217G>A on transcript NM_000143.4 (MANE Select); coding-DNA position 217, G replaced by A.
Protein change: p.Val73Met; replaces valine 73 with methionine.
Molecular consequence: missense variant.
Genome position (GRCh38, 1-based): chr1:241,517,232, C>T on the plus strand (G>A on the coding strand, the complement: FH is on the minus strand). VCF-style: chr1-241517232-C-T. GRCh37 (hg19) VCF-style: chr1-241680532-C-T.
Other names: p.Val73Met; short protein forms V73M.
Identifiers: ClinVar variation 184137 (VCV000184137.46), dbSNP rs201878591, ClinGen allele CA187930.

ClinVar aggregate classification (germline): Conflicting classifications of pathogenicity. Review status: criteria provided, conflicting classifications (1 of 4 stars). 13 submissions from 13 submitters: Uncertain significance (9); Likely benign (2). 2 of the submissions do not count toward it. Last evaluated 2026-02-02.

Conditions:
FH-related disorder. Also called: FH-related condition; FH-related disorders.
Hereditary cancer-predisposing syndrome. Also called: Tumor predisposition; Neoplastic Syndromes, Hereditary; Hereditary neoplastic syndrome; Hereditary Cancer Syndrome. Identifiers: Orphanet 140162, MedGen C0027672, MeSH D009386, MONDO:0015356.
Hereditary leiomyomatosis and renal cell cancer. Also called: MULTIPLE CUTANEOUS AND UTERINE LEIOMYOMATA 1, WITH OR WITHOUT RENAL CELL CARCINOMA; LEIOMYOMA, MULTIPLE CUTANEOUS; Reed syndrome; Multiple cutaneous and uterine leiomyomatosis; Cutaneous leiomyomata with uterine leiomyomata; Leiomyoma, hereditary multiple, of skin. Identifiers: Orphanet 523, MedGen C1708350, MONDO:0007888, OMIM 150800, HP:0007437. Disease mechanism: loss of function.
Fumarase deficiency (FMRD). Also called: Fumaric aciduria; Fumarate Hydratase Deficiency. Identifiers: Orphanet 24, MedGen C0342770, MONDO:0011730, OMIM 606812.

Allele frequency attached by ClinVar (database versions not stated): ExAC 0.00004; gnomAD exomes 0.00006 and 0.00017; ESP Exome Variant Server 0.00008; gnomAD 0.00010 and 0.00012; TOPMed 0.00011.
gnomAD v4.1: 257 of 1,614,132 alleles (0.016%); highest among the groups gnomAD compares: Non-Finnish European, 0.02%; no homozygotes.

Submissions (13):

Labcorp Genetics (formerly Invitae), Labcorp
Classification: Uncertain significance. Last evaluated: 2026-02-02. Review status: criteria provided, single submitter. Criteria: Invitae Variant Classification Sherloc (09022015). Collection method: clinical testing. Allele origin: germline.
Comment: This sequence change replaces valine, which is neutral and non-polar, with methionine, which is neutral and non-polar, at codon 73 of the FH protein (p.Val73Met). This variant is present in population databases (rs201878591, gnomAD 0.01%). This missense change has been observed in individual(s) with paraganglioma (PMID: 30877234). ClinVar contains an entry for this variant (Variation ID: 184137). Invitae Evidence Modeling of protein sequence and biophysical properties (such as structural, functional, and spatial information, amino acid conservation, physicochemical variation, residue mobility, and thermodynamic stability) indicates that this missense variant is not expected to disrupt FH protein function with a negative predictive value of 95%. In summary, the available evidence is currently insufficient to determine the role of this variant in disease. Therefore, it has been classified as a Variant of Uncertain Significance.

St. Jude Molecular Pathology, St. Jude Children's Research Hospital
Classification: Uncertain significance for Hereditary leiomyomatosis and renal cell cancer. Last evaluated: 2025-06-17. Review status: criteria provided, single submitter. Criteria: St. Jude Assertion Criteria 2020. Collection method: clinical testing. Allele origin: germline.
Comment: The FH c.217G>A p.(Val73Met) missense change has a maximum subpopulation frequency of 0.012% in gnomAD v2.1.1 . The in silico tool REVEL is inconclusive about a pathogenic or benign effect of this variant on protein function, and to our knowledge functional studies have not been performed. This variant has been reported in an individual with renal cell carcinoma (PMID: 37095444). In summary, the evidence currently available is insufficient to determine the clinical significance of this variant. It has therefore been classified as of uncertain significance.

Center for Genomic Medicine, Rigshospitalet, Copenhagen University Hospital
Classification: Uncertain significance. Last evaluated: 2025-03-04. Review status: criteria provided, single submitter. Criteria: ACMG Guidelines, 2015. Collection method: clinical testing. Allele origin: germline.

Mayo Clinic Laboratories, Mayo Clinic
Classification: Uncertain significance. Last evaluated: 2024-12-02. Review status: criteria provided, single submitter. Criteria: ACMG Guidelines, 2015. Collection method: clinical testing. Allele origin: germline. Observed: 3 variant alleles.

Myriad Genetics, Inc.
Classification: Likely benign for Hereditary leiomyomatosis and renal cell cancer. Last evaluated: 2024-10-17. Review status: criteria provided, single submitter. Criteria: Myriad Autosomal Dominant, Autosomal Recessive and X-Linked Classification Criteria (2023). Collection method: clinical testing. Allele origin: unknown.
Comment: This variant is considered likely benign. This variant has been observed at a population frequency that is significantly greater than expected given the associated disease prevalence and penetrance.

Quest Diagnostics Nichols Institute San Juan Capistrano
Classification: Uncertain significance. Last evaluated: 2024-09-17. Review status: criteria provided, single submitter. Criteria: Quest Diagnostics criteria. Collection method: clinical testing. Allele origin: unknown.
Comment: The FH c.217G>A (p.Val73Met) variant has been reported in the published literature in individuals affected with early onset renal cell carcinoma (PMID: 37095444 (2023)), head and neck paraganglioma (PMID: 30877234 (2019)), and in a uterine leiomyoma (PMID: 32612247 (2020)). It was also identified in a child showing global developmental delay (PMID: 38539105 (2024)) and in an individual reportedly not affected with cancer (PMID: 29641532 (2018)). The frequency of this variant in the general population, 0.00012 (16/129174 chromosomes in European (Non-Finnish) subpopulation (Genome Aggregation Database)), is higher than would generally be expected for pathogenic variants in this gene. Analysis of this variant using bioinformatics tools for the prediction of the effect of amino acid changes on protein structure and function yielded predictions that this variant is benign. Based on the available information, we are unable to determine the clinical significance of this variant.

GeneDx
Classification: Uncertain significance. Last evaluated: 2024-06-05. Review status: criteria provided, single submitter. Criteria: GeneDx Variant Classification Process June 2021. Collection method: clinical testing. Allele origin: germline. Affected: yes.
Comment: Observed in individuals with renal cell carcinoma or head/neck paraganglioma (PMID: 30877234, 37095444); Not observed at significant frequency in large population cohorts (gnomAD); In silico analysis supports that this missense variant does not alter protein structure/function; This variant is associated with the following publications: (PMID: 29641532, 26927868, 30877234, 37095444)

Blueprint Genetics
Classification: Uncertain significance. Last evaluated: 2024-04-24. Review status: criteria provided, single submitter. Criteria: ACMG Guidelines, 2015. Collection method: clinical testing. Allele origin: germline.

Fulgent Genetics
Classification: Uncertain significance for Hereditary leiomyomatosis and renal cell cancer; Fumarase deficiency. Last evaluated: 2024-03-13. Review status: criteria provided, single submitter. Criteria: ACMG Guidelines, 2015. Collection method: clinical testing. Allele origin: germline.

Baylor Genetics
Classification: Uncertain significance for Fumarase deficiency. Last evaluated: 2024-02-19. Review status: criteria provided, single submitter. Criteria: ACMG Guidelines, 2015. Collection method: clinical testing. Allele origin: unknown.

Ambry Genetics
Classification: Likely benign for Hereditary cancer-predisposing syndrome. Last evaluated: 2021-04-21. Review status: criteria provided, single submitter. Criteria: Ambry Variant Classification Scheme 2023. Collection method: clinical testing. Allele origin: germline.

PreventionGenetics, part of Exact Sciences
Classification: Uncertain significance for FH-related condition. Last evaluated: 2024-03-14. Review status: no assertion criteria provided. Collection method: clinical testing. Allele origin: germline. Not counted in ClinVar's aggregate classification.
Comment: The FH c.217G>A variant is predicted to result in the amino acid substitution p.Val73Met. This variant was reported in an individual with phaeochromocytoma/paraganglioma (Table S3, Ben Aim et al 2019. PubMed ID: 30877234). This variant is reported in 0.012% of alleles in individuals of European (Non-Finnish) descent in gnomAD. It has conflicting interpretations of likely benign and uncertain significance in ClinVar. At this time, the clinical significance of this variant is uncertain due to the absence of conclusive functional and genetic evidence.

Natera, Inc.
Classification: Uncertain significance for Fumarase Deficiency. Last evaluated: 2020-01-31. Review status: no assertion criteria provided. Collection method: clinical testing. Allele origin: germline. Not counted in ClinVar's aggregate classification.

Literature cited by the submitters: PubMed 30877234 (cited by 4 submitters); PubMed 37095444 (cited by Mayo Clinic Laboratories, Mayo Clinic and Quest Diagnostics Nichols Institute San Juan Capistrano); PubMed 38539105 (cited by Quest Diagnostics Nichols Institute San Juan Capistrano); PubMed 32612247 (cited by Quest Diagnostics Nichols Institute San Juan Capistrano); PubMed 37430226 (cited by Quest Diagnostics Nichols Institute San Juan Capistrano); PubMed 29641532 (cited by Quest Diagnostics Nichols Institute San Juan Capistrano and Ambry Genetics).